The following is an entry in ClinVar:

ClinVar aggregate classification (germline): Uncertain significance. Review status: criteria provided, multiple submitters, no conflicts (2 of 4 stars). 3 submissions from 3 submitters: Uncertain significance (3). Last evaluated 2025-12-16.

Conditions:
Hereditary cancer-predisposing syndrome. Also called: Hereditary Cancer Syndrome; Tumor predisposition; Neoplastic Syndromes, Hereditary; Hereditary neoplastic syndrome. Identifiers: Orphanet 140162, MedGen C0027672, MeSH D009386, MONDO:0015356.
Pheochromocytoma. Also called: MAX-Related Hereditary Paraganglioma-Pheochromocytoma Syndrome. Identifiers: Orphanet 29072, MedGen C0031511, MONDO:0008233, OMIM 171300, HP:0002666.
Hereditary pheochromocytoma and paraganglioma. Also called: Hereditary pheochromocytoma-paraganglioma; Hereditary paragangliomas and pheochromocytomas; Hereditary Paraganglioma-Pheochromocytoma Syndromes. Identifiers: Orphanet 29072, MedGen C4274332, MONDO:0017366.

Allele frequency attached by ClinVar (database versions not stated): gnomAD exomes 0.00001 and 0.00008; TOPMed 0.00001.
gnomAD v4.1: 9 of 1,516,882 alleles (0.00059%); highest among the groups gnomAD compares: Admixed American, 0.018%; no homozygotes.

Submissions (3):

Ambry Genetics
Classification: Uncertain significance for Hereditary cancer-predisposing syndrome. Last evaluated: 2025-12-16. Review status: criteria provided, single submitter. Criteria: Ambry Variant Classification Scheme 2023. Collection method: clinical testing. Allele origin: germline.

Labcorp Genetics (formerly Invitae), Labcorp
Classification: Uncertain significance for Hereditary pheochromocytoma and paraganglioma. Last evaluated: 2025-12-08. Review status: criteria provided, single submitter. Criteria: Invitae Variant Classification Sherloc (09022015). Collection method: clinical testing. Allele origin: germline.
Comment: This sequence change replaces serine, which is neutral and polar, with glycine, which is neutral and non-polar, at codon 17 of the TMEM127 protein (p.Ser17Gly). This variant is present in population databases (no rsID available, gnomAD 0.04%), and has an allele count higher than expected for a pathogenic variant. This variant has not been reported in the literature in individuals affected with TMEM127-related conditions. ClinVar contains an entry for this variant (Variation ID: 849549). An algorithm developed to predict the effect of missense changes on protein structure and function outputs the following: PolyPhen-2: "Benign". The glycine amino acid residue is found in multiple mammalian species, which suggests that this missense change does not adversely affect protein function. In summary, the available evidence is currently insufficient to determine the role of this variant in disease. Therefore, it has been classified as a Variant of Uncertain Significance.

Baylor Genetics
Classification: Uncertain significance for Pheochromocytoma. Last evaluated: 2024-03-25. Review status: criteria provided, single submitter. Criteria: ACMG Guidelines, 2015. Collection method: clinical testing. Allele origin: unknown.

NM_017849.4(TMEM127):c.49A>G (p.Ser17Gly)

Genes: TMEM127 (transmembrane protein 127; minus strand), LOC129934333 (ATAC-STARR-seq lymphoblastoid silent region 11759; plus strand). Cytogenetic location: 2q11.2.
Variant type: single nucleotide variant.
Coding change: c.49A>G on transcript NM_017849.4 (MANE Select); coding-DNA position 49, A replaced by G.
Protein change: p.Ser17Gly; replaces serine 17 with glycine.
Molecular consequence: missense variant.
Genome position (GRCh38, 1-based): chr2:96,265,333, T>C on the plus strand (A>G on the coding strand, the complement: TMEM127 is on the minus strand). VCF-style: chr2-96265333-T-C. GRCh37 (hg19) VCF-style: chr2-96931071-T-C.
Other names: c.49A>G, p.Ser17Gly (NM_001193304.3); short protein forms S17G.
Identifiers: ClinVar variation 849549 (VCV000849549.14), dbSNP rs1249001227, ClinGen allele CA347656228.